The following is an entry in ClinVar:

NM_022168.4(IFIH1):c.2411T>C (p.Val804Ala)

Gene: IFIH1 (interferon induced with helicase C domain 1; minus strand). Cytogenetic location: 2q24.2.
Variant type: single nucleotide variant.
Coding change: c.2411T>C on transcript NM_022168.4 (MANE Select); coding-DNA position 2411, T replaced by C.
Protein change: p.Val804Ala; replaces valine 804 with alanine.
Molecular consequence: missense variant.
Genome position (GRCh38, 1-based): chr2:162,273,838, A>G on the plus strand (T>C on the coding strand, the complement: IFIH1 is on the minus strand). VCF-style: chr2-162273838-A-G. GRCh37 (hg19) VCF-style: chr2-163130348-A-G.
Other names: short protein forms V804A.
Identifiers: ClinVar variation 3758946 (VCV003758946.2).
Genomic context (GRCh38, chr2:162,273,838, plus strand): 5'-GAGGTATTTGAATGTACCTGGACCATGGCTATTTCATTGGTGACGAGACCATAACGGATA[A>G]CAATGTTACATTCTTTAATATCCAGACCTTCTTCTGCCACTGTGGTAGCGATAAGCAGAT-3'
Protein context (NP_071451.2, residues 794-814): EGLDIKECNI[Val804Ala]IRYGLVTNEI

ClinVar aggregate classification (germline): Uncertain significance (1 of 4 stars; one submission).

Conditions:
Singleton-Merten syndrome 1 (SGMRT1). Also called: Widened medullary cavities of bone, aortic calcification, abnormal dentition, and muscular weakness; Syndrome of widened medullary cavities of the metacarpals and phalanges, aortic calcification and abnormal dentition. Identifiers: Orphanet 85191, MedGen C4225427, MONDO:0024535, OMIM 182250.
Aicardi-Goutieres syndrome 7 (AGS7). Identifiers: Orphanet 51, MedGen C3888244, MONDO:0014367, OMIM 615846.

Submission:

Labcorp Genetics (formerly Invitae), Labcorp
Classification: Uncertain significance for Aicardi-Goutieres syndrome 7; Singleton-Merten syndrome 1. Last evaluated: 2025-01-07. Review status: criteria provided, single submitter. Criteria: Invitae Variant Classification Sherloc (09022015). Collection method: clinical testing. Allele origin: germline.
Comment: This sequence change replaces valine, which is neutral and non-polar, with alanine, which is neutral and non-polar, at codon 804 of the IFIH1 protein (p.Val804Ala). This variant is not present in population databases (gnomAD no frequency). This variant has not been reported in the literature in individuals affected with IFIH1-related conditions. Invitae Evidence Modeling of protein sequence and biophysical properties (such as structural, functional, and spatial information, amino acid conservation, physicochemical variation, residue mobility, and thermodynamic stability) has been performed for this missense variant. However, the output from this modeling did not meet the statistical confidence thresholds required to predict the impact of this variant on IFIH1 protein function. In summary, the available evidence is currently insufficient to determine the role of this variant in disease. Therefore, it has been classified as a Variant of Uncertain Significance.